The following is an entry in ClinVar:

NM_001127644.2(GABRA1):c.*1929T>C

Gene: GABRA1 (gamma-aminobutyric acid type A receptor subunit alpha1; plus strand). Cytogenetic location: 5q34.
Variant type: single nucleotide variant.
Coding change: c.*1929T>C on transcript NM_001127644.2 (MANE Select); 1929 bases downstream of the stop codon, T replaced by C.
Molecular consequence: 3 prime UTR variant.
Genome position (GRCh38, 1-based): chr5:161,899,351, T>C. VCF-style: chr5-161899351-T-C. GRCh37 (hg19) VCF-style: chr5-161326357-T-C.
Other names: c.*1929T>C (NM_000806.5, NM_001127643.2, NM_001127645.2 and 1 more transcripts).
Identifiers: ClinVar variation 352622 (VCV000352622.5), dbSNP rs2290733, ClinGen allele CA10624039.
Genomic context (GRCh38, chr5:161,899,351, plus strand): 5'-ATTTGGTCCTGCCTAAATTTCACAAGCTAGGCCAATGAAGGCTGAATCAAAGACATTTCA[T>C]CCACCAATATCATGTGTAGATATTATGTATAGAAAATAAAATAAATTATGGCTCTAACTT-3'

ClinVar aggregate classification (germline): Benign (1 of 4 stars; one submission).

Conditions:
Epilepsy, idiopathic generalized, susceptibility to, 13. Also called: EPILEPSY, JUVENILE MYOCLONIC, SUSCEPTIBILITY TO, 5. Identifiers: Orphanet 307, Orphanet 64280, MedGen C4013473, MONDO:0012627, OMIM 611136.

Allele frequency attached by ClinVar (database versions not stated): TOPMed 0.01668; 1000 Genomes Project 30x 0.04341; 1000 Genomes Project 0.04692; gnomAD exomes 0.00714; gnomAD 0.01265 and 0.01540.
gnomAD v4.1: 2,333 of 152,676 alleles (1.5%); highest among the groups gnomAD compares: East Asian, 20%; 120 homozygotes.

Submission:

Illumina Laboratory Services, Illumina
Classification: Benign for Epilepsy, idiopathic generalized, susceptibility to, 13. Last evaluated: 2018-01-13. Review status: criteria provided, single submitter. Criteria: ICSL Variant Classification Criteria 13 December 2019. Collection method: clinical testing. Allele origin: germline.
Comment: This variant was observed in the ICSL laboratory as part of a predisposition screen in an ostensibly healthy population. It had not been previously curated by ICSL or reported in the Human Gene Mutation Database (HGMD: prior to June 1st, 2018), and was therefore a candidate for classification through an automated scoring system. Utilizing variant allele frequency, disease prevalence and penetrance estimates, and inheritance mode, an automated score was calculated to assess if this variant is too frequent to cause the disease. Based on the score and internal cut-off values, a variant classified as benign is not then subjected to further curation. The score for this variant resulted in a classification of benign for this disease.